The following is an entry in ClinVar:

NM_000844.4(GRM7):c.81G>C (p.Ala27=)

Gene: GRM7 (glutamate metabotropic receptor 7; plus strand). Cytogenetic location: 3p26.1.
Variant type: single nucleotide variant.
Coding change: c.81G>C on transcript NM_000844.4 (MANE Select); coding-DNA position 81, G replaced by C.
Protein change: p.Ala27=; no amino-acid change (alanine 27 retained).
Molecular consequence: synonymous variant.
Genome position (GRCh38, 1-based): chr3:6,861,469, G>C. VCF-style: chr3-6861469-G-C. GRCh37 (hg19) VCF-style: chr3-6903156-G-C.
Other names: c.81G>C, p.Ala27= (NM_181874.3).
Identifiers: ClinVar variation 722285 (VCV000722285.9), dbSNP rs138762445, ClinGen allele CA2234506.
Genomic context (GRCh38, chr3:6,861,469, plus strand): 5'-GCTCCGCGTCCTGACTTTGATGAAGTTCCCCTGCTGCGTGCTGGAGGTGCTCCTGTGCGC[G>C]CTGGCGGCGGCGGCGCGCGGCCAGGAGATGTACGCCCCGCACTCAATCCGGATCGAGGGG-3'
Protein context (NP_000835.1, residues 17-37): PCCVLEVLLC[Ala27=]LAAAARGQEM

ClinVar aggregate classification (germline): Benign/Likely benign. Review status: criteria provided, multiple submitters, no conflicts (2 of 4 stars). 3 submissions from 3 submitters: Benign (2); Likely benign (1). Last evaluated 2026-09-01.

Allele frequency attached by ClinVar (database versions not stated): gnomAD exomes 0.00073; ExAC 0.00154; ESP Exome Variant Server 0.00272; gnomAD 0.00300; TOPMed 0.00307; 1000 Genomes Project 0.00479; 1000 Genomes Project 30x 0.00578.
gnomAD v4.1: 814 of 1,590,576 alleles (0.051%); highest among the groups gnomAD compares: African/African-American, 1%; 6 homozygotes.

Submissions (3):

CeGaT Center for Human Genetics Tuebingen
Classification: Likely benign. Last evaluated: 2026-09-01. Review status: criteria provided, single submitter. Criteria: CeGaT Center For Human Genetics Tuebingen Variant Classification Criteria Version 2. Collection method: clinical testing. Allele origin: germline. Affected: yes. Observed: 1 variant allele.
Comment: GRM7: BP4, BP7, BS1

Labcorp Genetics (formerly Invitae), Labcorp
Classification: Benign. Last evaluated: 2025-12-17. Review status: criteria provided, single submitter. Criteria: Invitae Variant Classification Sherloc (09022015). Collection method: clinical testing. Allele origin: germline.

Breakthrough Genomics
Classification: Benign. Review status: criteria provided, single submitter. Criteria: ACMG Guidelines, 2015. Collection method: not provided. Allele origin: germline. Inheritance: Autosomal recessive inheritance. Affected: yes.